The following is an entry in ClinVar:

NM_001378454.1(ALMS1):c.12030C>G (p.His4010Gln)

Genes: ALMS1 (ALMS1 centrosome and basal body associated protein; plus strand), LOC126806252 (BRD4-independent group 4 enhancer GRCh37_chr2:73828496-73829695; plus strand). Cytogenetic location: 2p13.1.
Variant type: single nucleotide variant.
Coding change: c.12030C>G on transcript NM_001378454.1 (MANE Select); coding-DNA position 12030, C replaced by G.
Protein change: p.His4010Gln; replaces histidine 4010 with glutamine.
Molecular consequence: missense variant.
Genome position (GRCh38, 1-based): chr2:73,601,352, C>G. VCF-style: chr2-73601352-C-G. GRCh37 (hg19) VCF-style: chr2-73828479-C-G.
Other names: c.12033C>G, p.His4011Gln (NM_015120.4); short protein forms H4010Q, H4011Q.
Identifiers: ClinVar variation 2663278 (VCV002663278.1), dbSNP rs2466522772, ClinGen allele CA347266581.

ClinVar aggregate classification (germline): Uncertain significance (1 of 4 stars; one submission).

Allele frequency attached by ClinVar (database versions not stated): gnomAD exomes below 0.00001.
gnomAD v4.1: 2 of 1,614,216 alleles (0.00012%); highest among the groups gnomAD compares: Non-Finnish European, 0.00017%; no homozygotes.

Submission:

GeneDx
Classification: Uncertain significance. Last evaluated: 2023-10-20. Review status: criteria provided, single submitter. Criteria: GeneDx Variant Classification Process June 2021. Collection method: clinical testing. Allele origin: germline. Affected: yes.
Comment: Not observed at significant frequency in large population cohorts (gnomAD); In silico analysis supports that this missense variant does not alter protein structure/function; Has not been previously published as pathogenic or benign to our knowledge